The following is an entry in ClinVar:

NM_001605.3(AARS1):c.743T>C (p.Val248Ala)

Gene: AARS1 (alanyl-tRNA synthetase 1; minus strand). Cytogenetic location: 16q22.1.
Variant type: single nucleotide variant.
Coding change: c.743T>C on transcript NM_001605.3 (MANE Select); coding-DNA position 743, T replaced by C.
Protein change: p.Val248Ala; replaces valine 248 with alanine.
Molecular consequence: missense variant.
Genome position (GRCh38, 1-based): chr16:70,270,269, A>G on the plus strand (T>C on the coding strand, the complement: AARS1 is on the minus strand). VCF-style: chr16-70270269-A-G. GRCh37 (hg19) VCF-style: chr16-70304172-A-G.
Other names: short protein forms V248A.
Identifiers: ClinVar variation 646633 (VCV000646633.9), dbSNP rs565851586, ClinGen allele CA8141055.
Genomic context (GRCh38, chr16:70,270,269, plus strand): 5'-TCAAAGTAAGGGACAAAAAGGTCAGTGTCATAGTTGGACATCTTATTCTGCAGCACAGAT[A>G]CCAGTCGTTCCAGGCCCATCCCTGTGTCAATGCTTTTCTTGGGAAGAGGTTTCAGAATGC-3'
Protein context (NP_001596.2, residues 238-258): IDTGMGLERL[Val248Ala]SVLQNKMSNY

ClinVar aggregate classification (germline): Uncertain significance (1 of 4 stars; one submission).

Conditions:
Charcot-Marie-Tooth disease type 2. Also called: Charcot-Marie-Tooth type 2. Identifiers: Orphanet 64746, MedGen C0270914, MONDO:0018993.

Allele frequency attached by ClinVar (database versions not stated): gnomAD exomes 0.00001; gnomAD below 0.00001 and 0.00002; ExAC 0.00002; 1000 Genomes Project 30x 0.00031; 1000 Genomes Project 0.00040.
gnomAD v4.1: 12 of 1,614,186 alleles (0.00074%); highest among the groups gnomAD compares: South Asian, 0.011%; no homozygotes.

Submission:

Labcorp Genetics (formerly Invitae), Labcorp
Classification: Uncertain significance for Charcot-Marie-Tooth disease type 2. Last evaluated: 2024-11-15. Review status: criteria provided, single submitter. Criteria: Invitae Variant Classification Sherloc (09022015). Collection method: clinical testing. Allele origin: germline.
Comment: This sequence change replaces valine, which is neutral and non-polar, with alanine, which is neutral and non-polar, at codon 248 of the AARS protein (p.Val248Ala). This variant is present in population databases (rs565851586, gnomAD 0.01%). This variant has not been reported in the literature in individuals affected with AARS-related conditions. ClinVar contains an entry for this variant (Variation ID: 646633). Invitae Evidence Modeling of protein sequence and biophysical properties (such as structural, functional, and spatial information, amino acid conservation, physicochemical variation, residue mobility, and thermodynamic stability) indicates that this missense variant is not expected to disrupt AARS protein function with a negative predictive value of 95%. In summary, the available evidence is currently insufficient to determine the role of this variant in disease. Therefore, it has been classified as a Variant of Uncertain Significance.